The following is an entry in ClinVar:

ClinVar aggregate classification (germline): Likely benign (1 of 4 stars; one submission).

Allele frequency attached by ClinVar (database versions not stated): 1000 Genomes Project 0.00060; 1000 Genomes Project 30x 0.00062; ExAC 0.00101; gnomAD 0.00117; TOPMed 0.00125; gnomAD exomes 0.00191; ESP Exome Variant Server 0.00200.
gnomAD v4.1: 2,911 of 1,614,026 alleles (0.18%); highest among the groups gnomAD compares: Non-Finnish European, 0.24%; 4 homozygotes.

Submission:

CeGaT Center for Human Genetics Tuebingen
Classification: Likely benign. Last evaluated: 2022-03-01. Review status: criteria provided, single submitter. Criteria: CeGaT Center For Human Genetics Tuebingen Variant Classification Criteria Version 2. Collection method: clinical testing. Allele origin: germline. Affected: yes. Observed: 1 variant allele.
Comment: PAPOLB: BP4, BP7

NM_020144.5(PAPOLB):c.300G>C (p.Thr100=)

Genes: PAPOLB (poly(A) polymerase beta; minus strand), RADIL (Rap associating with DIL domain; minus strand). Cytogenetic location: 7p22.1.
Variant type: single nucleotide variant.
Coding change: c.300G>C on transcript NM_020144.5 (MANE Select); coding-DNA position 300, G replaced by C.
Protein change: p.Thr100=; no amino-acid change (threonine 100 retained).
Molecular consequence: synonymous variant. On other transcripts: intron variant (1).
Genome position (GRCh38, 1-based): chr7:4,861,511, C>G on the plus strand (G>C on the coding strand, the complement: PAPOLB is on the minus strand). VCF-style: chr7-4861511-C-G. GRCh37 (hg19) VCF-style: chr7-4901142-C-G.
Other names: c.535+16094G>C (NM_018059.5).
Identifiers: ClinVar variation 2657264 (VCV002657264.24), dbSNP rs142317142, ClinGen allele CA4140003.